The following is an entry in ClinVar:

ClinVar aggregate classification (germline): Likely benign (1 of 4 stars; one submission).

Submission:

Women's Health and Genetics/Laboratory Corporation of America, LabCorp
Classification: Likely benign. Last evaluated: 2025-03-03. Review status: criteria provided, single submitter. Criteria: LabCorp Variant Classification Summary - May 2015. Collection method: clinical testing. Allele origin: germline.
Comment: Variant summary: The variant involves the duplication of exons 2-59 in the KMT2C gene. A presumed nomenclature of c.(161+1_162-1)_(*1908_?)dup has been designated for the purposes of this classification. The exact breakpoint at the 3' end of this variant is unknown, therefore this duplication may extend downstream of the annotated region of the gene. As it duplicates the termination codon, its effect on the encoded protein is unknown. A large duplication variant which encompasses exons 2-59 of the KMT2C gene (Size: 264,343 bp) was found at a frequency of 0.00028 in 462882 control chromosomes in the gnomAD database (CNVs v4.0 dataset). In addition, several other large copy number gains were also reported which cover exons 2-59 of the gene (gnomAD CNVs v4.0 and Structural Variants v4.1 datasets). The relatively high occurrence of these copy number genes suggests that these variants are likely not associated with a dominant, early onset, penetrant disease phenotype. To our knowledge, no occurrence of c.(161+1_162-1)_(*1908_?)dup in individuals affected with Kleefstra Syndrome 2 and no experimental evidence demonstrating its impact on protein function have been reported. ClinVar contains an entry for this variant (Variation ID: 2427454). Based on the evidence outlined above, the variant was classified as likely benign.

NC_000007.13:g.(?_151832009)_(152055761_152132710)dup

Gene: KMT2C (lysine methyltransferase 2C; minus strand). Cytogenetic location: 7q36.1.
Variant type: Duplication.
Identifiers: ClinVar variation 3063612 (VCV003063612.2).